The following is an entry in ClinVar:

NM_001371986.1(UNC80):c.1133T>C (p.Leu378Pro)

Gene: UNC80 (unc-80 subunit of NALCN channel complex; plus strand). Cytogenetic location: 2q34.
Variant type: single nucleotide variant.
Coding change: c.1133T>C on transcript NM_001371986.1 (MANE Select); coding-DNA position 1133, T replaced by C.
Protein change: p.Leu378Pro; replaces leucine 378 with proline.
Molecular consequence: missense variant.
Genome position (GRCh38, 1-based): chr2:209,813,774, T>C. VCF-style: chr2-209813774-T-C. GRCh37 (hg19) VCF-style: chr2-210678498-T-C.
Other names: c.1133T>C, p.Leu378Pro (NM_032504.2, NM_182587.4); short protein forms L378P.
Identifiers: ClinVar variation 1487161 (VCV001487161.8), dbSNP rs2079531450, ClinGen allele CA350133425.

ClinVar aggregate classification (germline): Uncertain significance (1 of 4 stars; one submission).

Allele frequency attached by ClinVar (database versions not stated): TOPMed below 0.00001.

Submission:

Labcorp Genetics (formerly Invitae), Labcorp
Classification: Uncertain significance. Last evaluated: 2024-08-06. Review status: criteria provided, single submitter. Criteria: Invitae Variant Classification Sherloc (09022015). Collection method: clinical testing. Allele origin: germline.
Comment: This sequence change replaces leucine, which is neutral and non-polar, with proline, which is neutral and non-polar, at codon 378 of the UNC80 protein (p.Leu378Pro). This variant is not present in population databases (gnomAD no frequency). This variant has not been reported in the literature in individuals affected with UNC80-related conditions. ClinVar contains an entry for this variant (Variation ID: 1487161). An algorithm developed to predict the effect of missense changes on protein structure and function (PolyPhen-2) suggests that this variant is likely to be disruptive. In summary, the available evidence is currently insufficient to determine the role of this variant in disease. Therefore, it has been classified as a Variant of Uncertain Significance.